The following is an entry in ClinVar:

NM_000051.4(ATM):c.3247C>T (p.His1083Tyr)

Gene: ATM (ATM serine/threonine kinase; plus strand). Cytogenetic location: 11q22.3.
Variant type: single nucleotide variant.
Coding change: c.3247C>T on transcript NM_000051.4 (MANE Select); coding-DNA position 3247, C replaced by T.
Protein change: p.His1083Tyr; replaces histidine 1083 with tyrosine.
Molecular consequence: missense variant.
Genome position (GRCh38, 1-based): chr11:108,272,815, C>T. VCF-style: chr11-108272815-C-T. GRCh37 (hg19) VCF-style: chr11-108143542-C-T.
Other names: c.3247C>T, p.His1083Tyr (NM_001351834.2); short protein forms H1083Y.
Identifiers: ClinVar variation 823293 (VCV000823293.5), dbSNP rs768362411, ClinGen allele CA6265232.

ClinVar aggregate classification (germline): Uncertain significance. Review status: criteria provided, multiple submitters, no conflicts (2 of 4 stars). 2 submissions from 2 submitters: Uncertain significance (2). Last evaluated 2025-07-20.

Conditions:
Ataxia-telangiectasia syndrome (AT). Also called: Cerebello-oculocutaneous telangiectasia; Immunodeficiency with ataxia telangiectasia; Ataxia-telangiectasia, complementation group E; Ataxia-telangiectasia, complementation group D; AT, COMPLEMENTATION GROUP C; ATAXIA-TELANGIECTASIA, COMPLEMENTATION GROUP A. Identifiers: Orphanet 100, MedGen C0004135, MONDO:0008840, OMIM 208900.
Hereditary cancer-predisposing syndrome. Also called: Hereditary Cancer Syndrome; Neoplastic Syndromes, Hereditary; Hereditary neoplastic syndrome; Tumor predisposition. Identifiers: Orphanet 140162, MedGen C0027672, MeSH D009386, MONDO:0015356.

Allele frequency attached by ClinVar (database versions not stated): gnomAD exomes below 0.00001; TOPMed below 0.00001; ExAC 0.00001; gnomAD 0.00001.
gnomAD v4.1: 2 of 1,613,922 alleles (0.00012%); highest among the groups gnomAD compares: African/African-American, 0.0027%; no homozygotes.

Submissions (2):

Labcorp Genetics (formerly Invitae), Labcorp
Classification: Uncertain significance for Ataxia-telangiectasia syndrome. Last evaluated: 2025-07-20. Review status: criteria provided, single submitter. Criteria: Invitae Variant Classification Sherloc (09022015). Collection method: clinical testing. Allele origin: germline.
Comment: This sequence change replaces histidine, which is basic and polar, with tyrosine, which is neutral and polar, at codon 1083 of the ATM protein (p.His1083Tyr). This variant is present in population databases (rs768362411, gnomAD 0.007%). This missense change has been observed in individual(s) with breast cancer (PMID: 35218119). ClinVar contains an entry for this variant (Variation ID: 823293). Invitae Evidence Modeling of protein sequence and biophysical properties (such as structural, functional, and spatial information, amino acid conservation, physicochemical variation, residue mobility, and thermodynamic stability) indicates that this missense variant is not expected to disrupt ATM protein function with a negative predictive value of 95%. This variant disrupts the p.His1083 amino acid residue in ATM. Other variant(s) that disrupt this residue have been determined to be pathogenic (PMID: 12552559, 18634022, 21665257, 25122203). This suggests that this residue is clinically significant, and that variants that disrupt this residue are likely to be disease-causing. In summary, the available evidence is currently insufficient to determine the role of this variant in disease. Therefore, it has been classified as a Variant of Uncertain Significance.

Ambry Genetics
Classification: Uncertain significance for Hereditary cancer-predisposing syndrome. Last evaluated: 2023-09-15. Review status: criteria provided, single submitter. Criteria: Ambry Variant Classification Scheme 2023. Collection method: clinical testing. Allele origin: germline.
Comment: The p.H1083Y variant (also known as c.3247C>T), located in coding exon 21 of the ATM gene, results from a C to T substitution at nucleotide position 3247. The histidine at codon 1083 is replaced by tyrosine, an amino acid with similar properties. In a study of 7051 Japanese patients and 11241 controls, this variant was detected only in the control population with a carrier frequency of 0.0001 (Momozawa Y et al. Nat Commun. 2018 10;9:4083). This amino acid position is highly conserved in available vertebrate species. In addition, the in silico prediction for this alteration is inconclusive. Since supporting evidence is limited at this time, the clinical significance of this alteration remains unclear.

Literature cited by the submitters: PubMed 35218119 (cited by Labcorp Genetics (formerly Invitae), Labcorp); PubMed 12552559 (cited by Labcorp Genetics (formerly Invitae), Labcorp); PubMed 18634022 (cited by Labcorp Genetics (formerly Invitae), Labcorp); PubMed 21665257 (cited by Labcorp Genetics (formerly Invitae), Labcorp); PubMed 25122203 (cited by Labcorp Genetics (formerly Invitae), Labcorp); PubMed 30287823 (cited by Ambry Genetics).